The following is an entry in ClinVar:

NM_001013703.4(EIF2AK4):c.4389+6G>A

Gene: EIF2AK4 (eukaryotic translation initiation factor 2 alpha kinase 4; plus strand). Cytogenetic location: 15q15.1.
Variant type: single nucleotide variant.
Coding change: c.4389+6G>A on transcript NM_001013703.4 (MANE Select); 6 bases into the intron after coding-DNA position 4389, G replaced by A.
Molecular consequence: intron variant.
Genome position (GRCh38, 1-based): chr15:40,022,611, G>A. VCF-style: chr15-40022611-G-A. GRCh37 (hg19) VCF-style: chr15-40314812-G-A.
Identifiers: ClinVar variation 4748335 (VCV004748335.1).

ClinVar aggregate classification (germline): Uncertain significance (1 of 4 stars; one submission).

gnomAD v4.1: 27 of 1,613,614 alleles (0.0017%); highest among the groups gnomAD compares: Middle Eastern, 0.16%; no homozygotes.

Submission:

Labcorp Genetics (formerly Invitae), Labcorp
Classification: Uncertain significance. Last evaluated: 2025-04-02. Review status: criteria provided, single submitter. Criteria: Invitae Variant Classification Sherloc (09022015). Collection method: clinical testing. Allele origin: germline.
Comment: This sequence change falls in intron 32 of the EIF2AK4 gene. It does not directly change the encoded amino acid sequence of the EIF2AK4 protein. It affects a nucleotide within the consensus splice site. This variant is present in population databases (rs201658468, gnomAD 0.002%). This variant has not been reported in the literature in individuals affected with EIF2AK4-related conditions. Variants that disrupt the consensus splice site are a relatively common cause of aberrant splicing (PMID: 17576681, 9536098). Algorithms developed to predict the effect of sequence changes on RNA splicing suggest that this variant is not likely to affect RNA splicing. In summary, the available evidence is currently insufficient to determine the role of this variant in disease. Therefore, it has been classified as a Variant of Uncertain Significance.

Literature cited by the submitters: PubMed 17576681; PubMed 9536098.